The following is an entry in ClinVar:

NM_000548.5(TSC2):c.242T>C (p.Leu81Pro)

Gene: TSC2 (TSC complex subunit 2; plus strand). Cytogenetic location: 16p13.3.
Variant type: single nucleotide variant.
Coding change: c.242T>C on transcript NM_000548.5 (MANE Select); coding-DNA position 242, T replaced by C.
Protein change: p.Leu81Pro; replaces leucine 81 with proline.
Molecular consequence: missense variant. On other transcripts: 5 prime UTR variant (14), non-coding transcript variant (5), intron variant (9).
Genome position (GRCh38, 1-based): chr16:2,053,358, T>C. VCF-style: chr16-2053358-T-C. GRCh37 (hg19) VCF-style: chr16-2103359-T-C.
Other names: c.242T>C, p.Leu81Pro (NM_001077183.3, NM_001114382.3, NM_001363528.2 and 10 more transcripts); c.95T>C, p.Leu32Pro (NM_001318829.2, NM_001406675.1, NM_001406676.1 and 2 more transcripts); c.275T>C, p.Leu92Pro (NM_001318832.2); c.-575T>C (NM_001406680.1, NM_001406683.1, NM_001406687.1); c.-204T>C (NM_001406681.1); c.-1190T>C (NM_001406689.1, NM_001406690.1, NM_001406691.1 and 2 more transcripts); c.-1496T>C (NM_001406693.1); c.-1071T>C (NM_001406694.1, NM_001406695.1); and 4 more; short protein forms L32P, L81P, L92P.
Identifiers: ClinVar variation 2706024 (VCV002706024.4), dbSNP rs2548396479, ClinGen allele CA394305485.
Genomic context (GRCh38, chr16:2,053,358, plus strand): 5'-CTTGGAGAGCACATCCTCACCGCTGTCCCCTCTGCTGGTGACAGCACGCAGTGGAAGCAC[T>C]CTGGAAGGCGGTCGCGGATCTGTTGCAGCCGGAGCGGCCGCTGGAGGCCCGGCACGCGGT-3'
Protein context (NP_000539.2, residues 71-91): KKFEEHAVEA[Leu81Pro]WKAVADLLQP

ClinVar aggregate classification (germline): Uncertain significance. Review status: criteria provided, multiple submitters, no conflicts (2 of 4 stars). 2 submissions from 2 submitters: Uncertain significance (2). Last evaluated 2025-11-21.

Conditions:
Hereditary cancer-predisposing syndrome. Also called: Neoplastic Syndromes, Hereditary; Hereditary neoplastic syndrome; Tumor predisposition; Hereditary Cancer Syndrome. Identifiers: Orphanet 140162, MedGen C0027672, MeSH D009386, MONDO:0015356.
Tuberous sclerosis 2 (TSC2). Identifiers: Orphanet 805, MedGen C1860707, MONDO:0013199, OMIM 613254.

Submissions (2):

Ambry Genetics
Classification: Uncertain significance for Hereditary cancer-predisposing syndrome. Last evaluated: 2025-11-21. Review status: criteria provided, single submitter. Criteria: Ambry Variant Classification Scheme 2023. Collection method: clinical testing. Allele origin: germline.
Comment: The p.L81P variant (also known as c.242T>C), located in coding exon 3 of the TSC2 gene, results from a T to C substitution at nucleotide position 242. The leucine at codon 81 is replaced by proline, an amino acid with similar properties. This variant was reported in a fetus with features consistent with tuberous sclerosis complex, however the unaffected mother of this child was also a carrier of the variant (Milon V et al. Eur J Hum Genet, 2024 Dec;32:1590-1598). This amino acid position is not well conserved in available vertebrate species. In addition, this alteration is predicted to be deleterious by in silico analysis. Based on the available evidence, the clinical significance of this variant remains unclear.

Labcorp Genetics (formerly Invitae), Labcorp
Classification: Uncertain significance for Tuberous sclerosis 2. Last evaluated: 2023-12-28. Review status: criteria provided, single submitter. Criteria: Invitae Variant Classification Sherloc (09022015). Collection method: clinical testing. Allele origin: germline.
Comment: This sequence change replaces leucine, which is neutral and non-polar, with proline, which is neutral and non-polar, at codon 81 of the TSC2 protein (p.Leu81Pro). This variant is not present in population databases (gnomAD no frequency). This variant has not been reported in the literature in individuals affected with TSC2-related conditions. Advanced modeling of protein sequence and biophysical properties (such as structural, functional, and spatial information, amino acid conservation, physicochemical variation, residue mobility, and thermodynamic stability) performed at Invitae indicates that this missense variant is not expected to disrupt TSC2 protein function with a negative predictive value of 95%. In summary, the available evidence is currently insufficient to determine the role of this variant in disease. Therefore, it has been classified as a Variant of Uncertain Significance.

Literature cited by the submitters: PubMed 38806662 (cited by Ambry Genetics).